The following is an entry in ClinVar:

NM_030805.4(LMAN2L):c.339G>A (p.Val113=)

Gene: LMAN2L (lectin, mannose binding 2 like; minus strand). Cytogenetic location: 2q11.2.
Variant type: single nucleotide variant.
Coding change: c.339G>A on transcript NM_030805.4 (MANE Select); coding-DNA position 339, G replaced by A.
Protein change: p.Val113=; no amino-acid change (valine 113 retained).
Molecular consequence: synonymous variant. On other transcripts: 5 prime UTR variant (8).
Genome position (GRCh38, 1-based): chr2:96,734,494, C>T on the plus strand (G>A on the coding strand, the complement: LMAN2L is on the minus strand). VCF-style: chr2-96734494-C-T. GRCh37 (hg19) VCF-style: chr2-97400231-C-T.
Other names: c.339G>A, p.Val113= (NM_001142292.2); c.-14G>A (NM_001322346.2, NM_001322351.2, NM_001322354.2 and 2 more transcripts); c.-76G>A (NM_001322347.2, NM_001322350.2, NM_001322352.2).
Identifiers: ClinVar variation 3042878 (VCV003042878.2), dbSNP rs199689213, ClinGen allele CA1783034.

ClinVar aggregate classification (germline): Likely benign (0 of 4 stars; one submission).

Conditions:
LMAN2L-related disorder. Also called: LMAN2L-related condition.

Allele frequency attached by ClinVar (database versions not stated): gnomAD 0.00009; ExAC 0.00016; 1000 Genomes Project 0.00020; 1000 Genomes Project 30x 0.00031.
gnomAD v4.1: 147 of 1,612,956 alleles (0.0091%); highest among the groups gnomAD compares: South Asian, 0.099%; no homozygotes.

Submission:

PreventionGenetics, part of Exact Sciences
Classification: Likely benign for LMAN2L-related condition. Last evaluated: 2019-06-27. Review status: no assertion criteria provided. Collection method: clinical testing. Allele origin: germline.
Comment: This variant is classified as likely benign based on ACMG/AMP sequence variant interpretation guidelines (Richards et al. 2015 PMID: 25741868, with internal and published modifications).